The following is an entry in ClinVar:

ClinVar aggregate classification (germline): Likely benign. Review status: criteria provided, single submitter (1 of 4 stars). 2 submissions from 2 submitters: Likely benign (1). 1 of the submissions does not count toward it. Last evaluated 2025-04-21.

Conditions:
DDX41-related disorder. Also called: DDX41-related condition.

Allele frequency attached by ClinVar (database versions not stated): TOPMed below 0.00001.
gnomAD v4.1: 2 of 1,614,146 alleles (0.00012%); highest among the groups gnomAD compares: Admixed American, 0.0017%; no homozygotes.

Submissions (2):

Labcorp Genetics (formerly Invitae), Labcorp
Classification: Likely benign. Last evaluated: 2025-04-21. Review status: criteria provided, single submitter. Criteria: Invitae Variant Classification Sherloc (09022015). Collection method: clinical testing. Allele origin: germline.

PreventionGenetics, part of Exact Sciences
Classification: Likely benign for DDX41-related condition. Last evaluated: 2021-03-02. Review status: no assertion criteria provided. Collection method: clinical testing. Allele origin: germline. Not counted in ClinVar's aggregate classification.
Comment: This variant is classified as likely benign based on ACMG/AMP sequence variant interpretation guidelines (Richards et al. 2015 PMID: 25741868, with internal and published modifications).

NM_016222.4(DDX41):c.435-9C>T

Gene: DDX41 (DEAD-box helicase 41; minus strand). Cytogenetic location: 5q35.3.
Variant type: single nucleotide variant.
Coding change: c.435-9C>T on transcript NM_016222.4 (MANE Select); 9 bases into the intron before coding-DNA position 435, C replaced by T.
Molecular consequence: intron variant.
Genome position (GRCh38, 1-based): chr5:177,515,830, G>A on the plus strand (C>T on the coding strand, the complement: DDX41 is on the minus strand). VCF-style: chr5-177515830-G-A. GRCh37 (hg19) VCF-style: chr5-176942831-G-A.
Other names: c.57-9C>T (NM_001321830.2, NM_001321732.2).
Identifiers: ClinVar variation 3031099 (VCV003031099.4), dbSNP rs1283553790, ClinGen allele CA808108354.